The following is an entry in ClinVar:

NM_025233.7(COASY):c.935T>C (p.Leu312Ser)

Gene: COASY (Coenzyme A synthase; plus strand). Cytogenetic location: 17q21.2.
Variant type: single nucleotide variant.
Coding change: c.935T>C on transcript NM_025233.7 (MANE Select); coding-DNA position 935, T replaced by C.
Protein change: p.Leu312Ser; replaces leucine 312 with serine.
Molecular consequence: missense variant.
Genome position (GRCh38, 1-based): chr17:42,564,465, T>C. VCF-style: chr17-42564465-T-C. GRCh37 (hg19) VCF-style: chr17-40716483-T-C.
Other names: c.935T>C, p.Leu312Ser (NM_001042529.3); c.1022T>C, p.Leu341Ser (NM_001042532.4); short protein forms L341S, L312S.
Identifiers: ClinVar variation 4774975 (VCV004774975.1).
Genomic context (GRCh38, chr17:42,564,465, plus strand): 5'-CTCCCTCCTTCCCTCTTTTTACCCTTTCCTCTTTACCCCAGGACCTGGAGGAACTTGCTT[T>C]GTACCAGATCCAGCTGCTGAAGGACCTCAGACATACAGAGAATGAAGAGGACAAAGTCAG-3'
Protein context (NP_079509.5, residues 302-322): RLENDLEELA[Leu312Ser]YQIQLLKDLR

ClinVar aggregate classification (germline): Uncertain significance (1 of 4 stars; one submission).

Conditions:
Neurodegeneration with brain iron accumulation 6 (NBIA6). Also called: COASY protein-associated neurodegeneration. Identifiers: Orphanet 397725, MedGen C4517377, MONDO:0014290, OMIM 615643.

gnomAD v4.1: 5 of 1,613,516 alleles (0.00031%); highest among the groups gnomAD compares: Non-Finnish European, 0.00025%; no homozygotes.

Submission:

Labcorp Genetics (formerly Invitae), Labcorp
Classification: Uncertain significance for Neurodegeneration with brain iron accumulation 6. Last evaluated: 2025-08-29. Review status: criteria provided, single submitter. Criteria: Invitae Variant Classification Sherloc (09022015). Collection method: clinical testing. Allele origin: germline.
Comment: This sequence change replaces leucine, which is neutral and non-polar, with serine, which is neutral and polar, at codon 312 of the COASY protein (p.Leu312Ser). This variant is present in population databases (rs368766159, gnomAD 0.004%). This variant has not been reported in the literature in individuals affected with COASY-related conditions. Invitae Evidence Modeling of protein sequence and biophysical properties (such as structural, functional, and spatial information, amino acid conservation, physicochemical variation, residue mobility, and thermodynamic stability) indicates that this missense variant is not expected to disrupt COASY protein function with a negative predictive value of 80%. In summary, the available evidence is currently insufficient to determine the role of this variant in disease. Therefore, it has been classified as a Variant of Uncertain Significance.